The following is an entry in ClinVar:

NM_001009999.3(KDM1A):c.1981G>T (p.Val661Phe)

Gene: KDM1A (lysine demethylase 1A; plus strand). Cytogenetic location: 1p36.12.
Variant type: single nucleotide variant.
Coding change: c.1981G>T on transcript NM_001009999.3 (MANE Select); coding-DNA position 1981, G replaced by T.
Protein change: p.Val661Phe; replaces valine 661 with phenylalanine.
Molecular consequence: missense variant.
Genome position (GRCh38, 1-based): chr1:23,079,103, G>T. VCF-style: chr1-23079103-G-T. GRCh37 (hg19) VCF-style: chr1-23405596-G-T.
Other names: c.1927G>T, p.Val643Phe (NM_001363654.2); c.1987G>T, p.Val663Phe (NM_001410762.1); c.1909G>T, p.Val637Phe (NM_001410763.1, NM_015013.4); short protein forms V637F, V661F, V643F, V663F.
Identifiers: ClinVar variation 4622692 (VCV004622692.1).

ClinVar aggregate classification (germline): Uncertain significance (1 of 4 stars; one submission).

Conditions:
Inborn genetic diseases. Identifiers: MedGen C0950123, MeSH D030342.

Submission:

Ambry Genetics
Classification: Uncertain significance for Inborn genetic diseases. Last evaluated: 2025-10-31. Review status: criteria provided, single submitter. Criteria: Ambry Variant Classification Scheme 2023. Collection method: clinical testing. Allele origin: germline.
Comment: The p.V661F variant (also known as c.1981G>T), located in coding exon 17 of the KDM1A gene, results from a G to T substitution at nucleotide position 1981. The valine at codon 661 is replaced by phenylalanine, an amino acid with highly similar properties. This amino acid position is conserved. In addition, this alteration is predicted to be deleterious by in silico analysis. Based on the available evidence, the clinical significance of this variant remains unclear.